The following is an entry in ClinVar:

NM_001130144.3(LTBP3):c.3106+4A>G

Genes: LTBP3 (latent transforming growth factor beta binding protein 3; minus strand), LOC121832793 (Sharpr-MPRA regulatory region 4001; plus strand). Cytogenetic location: 11q13.1.
Variant type: single nucleotide variant.
Coding change: c.3106+4A>G on transcript NM_001130144.3 (MANE Select); 4 bases into the intron after coding-DNA position 3106, A replaced by G.
Molecular consequence: intron variant.
Genome position (GRCh38, 1-based): chr11:65,540,482, T>C on the plus strand (A>G on the coding strand, the complement: LTBP3 is on the minus strand). VCF-style: chr11-65540482-T-C. GRCh37 (hg19) VCF-style: chr11-65307953-T-C.
Other names: c.2755+4A>G (NM_001164266.1); c.3106+4A>G (NM_021070.4).
Identifiers: ClinVar variation 2812301 (VCV002812301.3), dbSNP rs2496123593, ClinGen allele CA2614332916.

ClinVar aggregate classification (germline): Uncertain significance (1 of 4 stars; one submission).

Conditions:
Brachyolmia-amelogenesis imperfecta syndrome. Also called: PLATYSPONDYLY WITH AMELOGENESIS IMPERFECTA; Tooth agenesis, selective, 6; Dental anomalies and short stature. Identifiers: Orphanet 2899, MedGen C1832594, MONDO:0011018, OMIM 601216. Disease mechanism: loss of function.

Allele frequency attached by ClinVar (database versions not stated): gnomAD exomes below 0.00001.
gnomAD v4.1: 1 of 1,613,200 alleles (0.000062%); highest among the groups gnomAD compares: Non-Finnish European, 0.000085%; no homozygotes.

Submission:

Labcorp Genetics (formerly Invitae), Labcorp
Classification: Uncertain significance for Brachyolmia-amelogenesis imperfecta syndrome. Last evaluated: 2022-11-06. Review status: criteria provided, single submitter. Criteria: Invitae Variant Classification Sherloc (09022015). Collection method: clinical testing. Allele origin: germline.
Comment: Variants that disrupt the consensus splice site are a relatively common cause of aberrant splicing (PMID: 17576681, 9536098). Algorithms developed to predict the effect of sequence changes on RNA splicing suggest that this variant may create or strengthen a splice site. This sequence change falls in intron 22 of the LTBP3 gene. It does not directly change the encoded amino acid sequence of the LTBP3 protein. It affects a nucleotide within the consensus splice site. This variant is not present in population databases (gnomAD no frequency). This variant has not been reported in the literature in individuals affected with LTBP3-related conditions. In summary, the available evidence is currently insufficient to determine the role of this variant in disease. Therefore, it has been classified as a Variant of Uncertain Significance.

Literature cited by the submitters: PubMed 17576681; PubMed 9536098.